The following is an entry in ClinVar:

ClinVar aggregate classification (germline): Conflicting classifications of pathogenicity. Review status: criteria provided, conflicting classifications (1 of 4 stars). 4 submissions from 4 submitters: Uncertain significance (1); Likely benign (2). 1 of the submissions does not count toward it. Last evaluated 2025-10-02.

Conditions:
KMT2B-related disorder. Also called: KMT2B-related disorders; KMT2B-related condition. Identifiers: MedGen CN381338.

Allele frequency attached by ClinVar (database versions not stated): gnomAD 0.00009; ExAC 0.00010; gnomAD exomes 0.00010 and 0.00011; TOPMed 0.00012; ESP Exome Variant Server 0.00017.
gnomAD v4.1: 164 of 1,611,470 alleles (0.01%); highest among the groups gnomAD compares: Non-Finnish European, 0.013%; no homozygotes.

Submissions (4):

Labcorp Genetics (formerly Invitae), Labcorp
Classification: Likely benign. Last evaluated: 2025-10-02. Review status: criteria provided, single submitter. Criteria: Invitae Variant Classification Sherloc (09022015). Collection method: clinical testing. Allele origin: germline.

Laboratory of Genetics, Children's Clinical University Hospital Latvia
Classification: Likely benign. Last evaluated: 2025-02-16. Review status: criteria provided, single submitter. Criteria: ACMG Guidelines, 2015. Collection method: clinical testing. Allele origin: germline. Affected: yes.

CeGaT Center for Human Genetics Tuebingen
Classification: Uncertain significance. Last evaluated: 2024-08-01. Review status: criteria provided, single submitter. Criteria: CeGaT Center For Human Genetics Tuebingen Variant Classification Criteria Version 2. Collection method: clinical testing. Allele origin: germline. Affected: yes. Observed: 3 variant alleles.

PreventionGenetics, part of Exact Sciences
Classification: Likely benign for KMT2B-related condition. Last evaluated: 2023-12-06. Review status: no assertion criteria provided. Collection method: clinical testing. Allele origin: germline. Not counted in ClinVar's aggregate classification.
Comment: This variant is classified as likely benign based on ACMG/AMP sequence variant interpretation guidelines (Richards et al. 2015 PMID: 25741868, with internal and published modifications).

NM_014727.3(KMT2B):c.886G>A (p.Gly296Ser)

Gene: KMT2B (lysine methyltransferase 2B; plus strand). Cytogenetic location: 19q13.12.
Variant type: single nucleotide variant.
Coding change: c.886G>A on transcript NM_014727.3 (MANE Select); coding-DNA position 886, G replaced by A.
Protein change: p.Gly296Ser; replaces glycine 296 with serine.
Molecular consequence: missense variant.
Genome position (GRCh38, 1-based): chr19:35,720,233, G>A. VCF-style: chr19-35720233-G-A. GRCh37 (hg19) VCF-style: chr19-36211135-G-A.
Other names: c.886G>A (NM_014727.2); short protein forms G296S.
Identifiers: ClinVar variation 1694910 (VCV001694910.38), dbSNP rs201417711, ClinGen allele CA9384139.
Genomic context (GRCh38, chr19:35,720,233, plus strand): 5'-CCTGGGACCCCCAGGCGTGGAGGACAGTCAAGCCGTGGAGGCCGTGGAGGCAGGGGCCGC[G>A]GCCGAGGTGGTGGGCTCCCCTTTGTGATCAAGTTTGTTTCAAGGGCCAAAAAAGTAAAGA-3'
Protein context (NP_055542.1, residues 286-306): SRGGRGGRGR[Gly296Ser]RGGGLPFVIK